The following is an entry in ClinVar:

NM_000391.4(TPP1):c.1679T>C (p.Leu560Pro)

Gene: TPP1 (tripeptidyl peptidase 1; minus strand). Cytogenetic location: 11p15.4.
Variant type: single nucleotide variant.
Coding change: c.1679T>C on transcript NM_000391.4 (MANE Select); coding-DNA position 1679, T replaced by C.
Protein change: p.Leu560Pro; replaces leucine 560 with proline.
Molecular consequence: missense variant.
Genome position (GRCh38, 1-based): chr11:6,614,559, A>G on the plus strand (T>C on the coding strand, the complement: TPP1 is on the minus strand). VCF-style: chr11-6614559-A-G. GRCh37 (hg19) VCF-style: chr11-6635790-A-G.
Other names: short protein forms L560P.
Identifiers: ClinVar variation 2584878 (VCV002584878.1), dbSNP rs2493795073, ClinGen allele CA379471941.

ClinVar aggregate classification (germline): Uncertain significance (1 of 4 stars; one submission).

Conditions:
Neuronal ceroid lipofuscinosis 2. Also called: JANSKY-BIELSCHOWSKY DISEASE NEURONAL CEROID LIPOFUSCINOSIS, LATE INFANTILE; TPP1-Related Neuronal Ceroid-Lipofuscinosis. Identifiers: Orphanet 168491, Orphanet 228349, Orphanet 79264, MedGen C1876161, MONDO:0008769, OMIM 204500.

Submission:

Neuberg Centre For Genomic Medicine, NCGM
Classification: Uncertain significance for Neuronal ceroid lipofuscinosis 2. Review status: criteria provided, single submitter. Criteria: ACMG Guidelines, 2015. Collection method: clinical testing. Allele origin: germline. Inheritance: Autosomal recessive inheritance. Affected: yes.
Comment: The missense variant c.1679T>C (p.Leu560Pro) in TPP1 gene has not been reported previously as a pathogenic variant nor as a benign variant, to our knowledge. The p.Leu560Pro variant is novel (not in any individuals) in gnomAD Exomes and 1000 Genomes. The amino acid Leu at position 560 is changed to a Pro changing protein sequence and it might alter its composition and physico-chemical properties. The amino acid change p.Leu560Pro in TPP1 is predicted as conserved by GERP++ and PhyloP across 100 vertebrates. For these reasons, this variant has been classified as Uncertain Significance